The following is an entry in ClinVar:

ClinVar aggregate classification (germline): Benign/Likely benign. Review status: criteria provided, multiple submitters, no conflicts (2 of 4 stars). 11 submissions from 11 submitters: Benign (7); Likely benign (3). 1 of the submissions does not count toward it. Last evaluated 2026-02-02.

Conditions:
Autosomal recessive Alport syndrome (ATS2). Also called: Alport syndrome type 2; ALPORT SYNDROME 2, AUTOSOMAL RECESSIVE; COL4A3-Related Nephropathy; COL4A4 Alport Syndrome and Thin Basement Membrane Nephropathy. Identifiers: Orphanet 63, Orphanet 88919, MedGen C4746745, MONDO:0008762, OMIM 203780.
Benign familial hematuria. Also called: thin basement membrane disease. Identifiers: MedGen C0241908, MONDO:0957317.
Alport syndrome. Also called: Hemorrhagic familial nephritis; Hemorrhagic hereditary nephritis; Congenital hereditary hematuria. Identifiers: Orphanet 63, MedGen C1567741, MONDO:0018965.
Focal segmental glomerulosclerosis (FSGS). Also called: Glomerulosclerosis, focal; Focal sclerosis with hyalinosis. Identifiers: MedGen C0017668, MONDO:0100313, HP:0000097. Disease mechanism: loss of function.

Allele frequency attached by ClinVar (database versions not stated): 1000 Genomes Project 0.01458; 1000 Genomes Project 30x 0.01515; ExAC 0.00470; gnomAD 0.01515 and 0.01622; ESP Exome Variant Server 0.01580; gnomAD exomes 0.00158 and 0.00390; TOPMed 0.01737.
gnomAD v4.1: 4,684 of 1,612,738 alleles (0.29%); highest among the groups gnomAD compares: African/African-American, 5.3%; 114 homozygotes.

Submissions (11):

Labcorp Genetics (formerly Invitae), Labcorp
Classification: Benign. Last evaluated: 2026-02-02. Review status: criteria provided, single submitter. Criteria: Invitae Variant Classification Sherloc (09022015). Collection method: clinical testing. Allele origin: germline.

Mayo Clinic Laboratories, Mayo Clinic
Classification: Benign. Last evaluated: 2023-12-07. Review status: criteria provided, single submitter. Criteria: ACMG Guidelines, 2015. Collection method: clinical testing. Allele origin: germline. Observed: 4 variant alleles.

Fulgent Genetics
Classification: Likely benign for Hematuria, benign familial, 1; Autosomal recessive Alport syndrome. Last evaluated: 2021-09-15. Review status: criteria provided, single submitter. Criteria: ACMG Guidelines, 2015. Collection method: clinical testing. Allele origin: unknown.

Genome Diagnostics Laboratory, The Hospital for Sick Children
Classification: Benign for Focal segmental glomerulosclerosis. Last evaluated: 2021-06-04. Review status: criteria provided, single submitter. Criteria: ACMG Guidelines, 2015. Collection method: clinical testing. Allele origin: germline.

Athena Diagnostics
Classification: Benign. Last evaluated: 2018-02-28. Review status: criteria provided, single submitter. Criteria: Athena Diagnostics Criteria. Collection method: clinical testing. Allele origin: germline.

GeneDx
Classification: Benign. Last evaluated: 2017-10-09. Review status: criteria provided, single submitter. Criteria: GeneDx Variant Classification (06012015). Collection method: clinical testing. Allele origin: germline. Affected: yes.
Comment: This variant is considered likely benign or benign based on one or more of the following criteria: it is a conservative change, it occurs at a poorly conserved position in the protein, it is predicted to be benign by multiple in silico algorithms, and/or has population frequency not consistent with disease.

Illumina Laboratory Services, Illumina
Classification: Likely benign for Alport syndrome. Last evaluated: 2017-04-27. Review status: criteria provided, single submitter. Criteria: ICSL Variant Classification Criteria 13 December 2019. Collection method: clinical testing. Allele origin: germline.
Comment: This variant was observed as part of a predisposition screen in an ostensibly healthy population. A literature search was performed for the gene, cDNA change, and amino acid change (where applicable). No publications were found based on this search. Allele frequency data from public databases allowed determination this variant is unlikely to cause disease. Therefore, this variant is classified as likely benign.

Laboratory for Molecular Medicine, Mass General Brigham Personalized Medicine
Classification: Benign. Last evaluated: 2016-03-21. Review status: criteria provided, single submitter. Criteria: LMM Criteria. Collection method: clinical testing. Allele origin: germline. Observed: 2 variant alleles.
Comment: p.Val670Ile in exon 26 of COL4A4: This variant is not expected to have clinical significance because it has been identified in 5.39% (526/9750) of African chrom osomes by the Exome Aggregation Consortium (ExAC ; dbSNP rs34236495).

Breakthrough Genomics
Classification: Likely benign. Review status: criteria provided, single submitter. Criteria: ACMG Guidelines, 2015. Collection method: not provided. Allele origin: germline. Inheritance: Autosomal recessive inheritance. Affected: yes.

PreventionGenetics, part of Exact Sciences
Classification: Benign. Review status: criteria provided, single submitter. Criteria: ACMG Guidelines, 2015. Collection method: clinical testing. Allele origin: germline.

Natera, Inc.
Classification: Benign for Alport syndrome. Last evaluated: 2020-09-16. Review status: no assertion criteria provided. Collection method: clinical testing. Allele origin: germline. Not counted in ClinVar's aggregate classification.

NM_000092.5(COL4A4):c.2008G>A (p.Val670Ile)

Gene: COL4A4 (collagen type IV alpha 4 chain; minus strand). Cytogenetic location: 2q36.3.
Variant type: single nucleotide variant.
Coding change: c.2008G>A on transcript NM_000092.5 (MANE Select); coding-DNA position 2008, G replaced by A.
Protein change: p.Val670Ile; replaces valine 670 with isoleucine.
Molecular consequence: missense variant.
Genome position (GRCh38, 1-based): chr2:227,062,578, C>T on the plus strand (G>A on the coding strand, the complement: COL4A4 is on the minus strand). VCF-style: chr2-227062578-C-T. GRCh37 (hg19) VCF-style: chr2-227927294-C-T.
Other names: short protein forms V670I.
Identifiers: ClinVar variation 255018 (VCV000255018.27), dbSNP rs34236495, ClinGen allele CA2144986.